The following is an entry in ClinVar:

ClinVar aggregate classification (germline): Likely benign. Review status: criteria provided, multiple submitters, no conflicts (2 of 4 stars). 7 submissions from 3 submitters: Likely benign (7). Last evaluated 2023-11-10.

Conditions:
Hereditary cryohydrocytosis with reduced stomatin. Also called: GLUT1 DEFICIENCY SYNDROME WITH PSEUDOHYPERKALEMIA AND HEMOLYSIS; Stomatin-deficient cryohydrocytosis with neurologic defects. Identifiers: Orphanet 168577, MedGen C1837206, MONDO:0012143, OMIM 608885.
Epilepsy, idiopathic generalized, susceptibility to, 12 (EIG12). Identifiers: MedGen C3553859, MONDO:0013919, OMIM 614847.
Childhood onset GLUT1 deficiency syndrome 2. Also called: Paroxysmal exercise-induced dystonia; PAROXYSMAL EXERCISE-INDUCED DYSKINESIA WITH OR WITHOUT EPILEPSY AND/OR HEMOLYTIC ANEMIA; PAROXYSMAL EXERTION-INDUCED DYSTONIA WITH OR WITHOUT EPILEPSY AND/OR HEMOLYTIC ANEMIA; PED WITH OR WITHOUT EPILEPSY AND/OR HEMOLYTIC ANEMIA; PxMD-SLC2A1; Exertion-induced paroxysmal dyskinesia. Identifiers: Orphanet 98811, MedGen C1842534, MONDO:0012805, OMIM 612126.
Encephalopathy due to GLUT1 deficiency. Also called: GLUCOSE TRANSPORT DEFECT, BLOOD-BRAIN BARRIER; De Vivo disease; GLUT1 deficiency syndrome 1; Classic Glucose Transporter Type 1 Deficiency Syndrome; GLUT1 deficiency syndrome 1, infantile onset, severe; Glucose transporter protein syndrome. Identifiers: Orphanet 71277, MedGen C4551966, MONDO:0011724, OMIM 606777.
Dystonia 9 (DYT9). Also called: CHOREOATHETOSIS, KINESIGENIC, WITH EPISODIC ATAXIA AND SPASTICITY. Identifiers: Orphanet 53583, MedGen C1832855, MONDO:0010983, OMIM 601042.
GLUT1 deficiency syndrome 1, autosomal recessive. Identifiers: MedGen C3149117.

Allele frequency attached by ClinVar (database versions not stated): ExAC 0.00001.
gnomAD v4.1: 96 of 1,603,840 alleles (0.006%); highest among the groups gnomAD compares: Non-Finnish European, 0.0082%; no homozygotes.

Submissions (7):

Labcorp Genetics (formerly Invitae), Labcorp
Classification: Likely benign for GLUT1 deficiency syndrome 1, autosomal recessive. Last evaluated: 2023-11-10. Review status: criteria provided, single submitter. Criteria: Invitae Variant Classification Sherloc (09022015). Collection method: clinical testing. Allele origin: germline.

Genome-Nilou Lab
Classification: Likely benign for Epilepsy, idiopathic generalized, susceptibility to, 12. Last evaluated: 2023-04-11. Review status: criteria provided, single submitter. Criteria: ACMG Guidelines, 2015. Collection method: clinical testing. Allele origin: germline. Affected: no.

Genome-Nilou Lab
Classification: Likely benign for Dystonia 9. Last evaluated: 2023-04-11. Review status: criteria provided, single submitter. Criteria: ACMG Guidelines, 2015. Collection method: clinical testing. Allele origin: germline. Affected: no.

Genome-Nilou Lab
Classification: Likely benign for Encephalopathy due to GLUT1 deficiency. Last evaluated: 2023-04-11. Review status: criteria provided, single submitter. Criteria: ACMG Guidelines, 2015. Collection method: clinical testing. Allele origin: germline. Affected: no.

Genome-Nilou Lab
Classification: Likely benign for Childhood onset GLUT1 deficiency syndrome 2. Last evaluated: 2023-04-11. Review status: criteria provided, single submitter. Criteria: ACMG Guidelines, 2015. Collection method: clinical testing. Allele origin: germline. Affected: no.

Genome-Nilou Lab
Classification: Likely benign for Hereditary cryohydrocytosis with reduced stomatin. Last evaluated: 2023-04-11. Review status: criteria provided, single submitter. Criteria: ACMG Guidelines, 2015. Collection method: clinical testing. Allele origin: germline. Affected: no.

GeneDx
Classification: Likely benign. Last evaluated: 2017-04-25. Review status: criteria provided, single submitter. Criteria: GeneDx Variant Classification (06012015). Collection method: clinical testing. Allele origin: germline. Affected: yes.
Comment: This variant is considered likely benign or benign based on one or more of the following criteria: it is a conservative change, it occurs at a poorly conserved position in the protein, it is predicted to be benign by multiple in silico algorithms, and/or has population frequency not consistent with disease.

NM_006516.4(SLC2A1):c.972+20C>G

Gene: SLC2A1 (solute carrier family 2 member 1; minus strand). Cytogenetic location: 1p34.2.
Variant type: single nucleotide variant.
Coding change: c.972+20C>G on transcript NM_006516.4 (MANE Select); 20 bases into the intron after coding-DNA position 972, C replaced by G.
Molecular consequence: intron variant.
Genome position (GRCh38, 1-based): chr1:42,929,190, G>C on the plus strand (C>G on the coding strand, the complement: SLC2A1 is on the minus strand). VCF-style: chr1-42929190-G-C. GRCh37 (hg19) VCF-style: chr1-43394861-G-C.
Identifiers: ClinVar variation 509157 (VCV000509157.10), dbSNP rs781545555, ClinGen allele CA803394.